The following is an entry in ClinVar:

ClinVar aggregate classification (germline): Uncertain significance (1 of 4 stars; one submission).

Submission:

Labcorp Genetics (formerly Invitae), Labcorp
Classification: Uncertain significance. Last evaluated: 2022-05-05. Review status: criteria provided, single submitter. Criteria: Invitae Variant Classification Sherloc (09022015). Collection method: clinical testing. Allele origin: germline.
Comment: This sequence change replaces alanine, which is neutral and non-polar, with threonine, which is neutral and polar, at codon 115 of the SLC12A6 protein (p.Ala115Thr). This variant is not present in population databases (gnomAD no frequency). This variant has not been reported in the literature in individuals affected with SLC12A6-related conditions. Advanced modeling of protein sequence and biophysical properties (such as structural, functional, and spatial information, amino acid conservation, physicochemical variation, residue mobility, and thermodynamic stability) performed at Invitae indicates that this missense variant is not expected to disrupt SLC12A6 protein function. In summary, the available evidence is currently insufficient to determine the role of this variant in disease. Therefore, it has been classified as a Variant of Uncertain Significance.

NM_001365088.1(SLC12A6):c.343G>A (p.Ala115Thr)

Gene: SLC12A6 (solute carrier family 12 member 6; minus strand). Cytogenetic location: 15q14.
Variant type: single nucleotide variant.
Coding change: c.343G>A on transcript NM_001365088.1 (MANE Select); coding-DNA position 343, G replaced by A.
Protein change: p.Ala115Thr; replaces alanine 115 with threonine.
Molecular consequence: missense variant.
Genome position (GRCh38, 1-based): chr15:34,260,994, C>T on the plus strand (G>A on the coding strand, the complement: SLC12A6 is on the minus strand). VCF-style: chr15-34260994-C-T. GRCh37 (hg19) VCF-style: chr15-34553195-C-T.
Other names: c.166G>A, p.Ala56Thr (NM_001042494.2, NM_001042495.2); c.316G>A, p.Ala106Thr (NM_001042496.2); c.298G>A, p.Ala100Thr (NM_001042497.2); c.190G>A, p.Ala64Thr (NM_005135.2); c.343G>A, p.Ala115Thr (NM_133647.2); short protein forms A115T, A100T, A64T, A106T, A56T.
Identifiers: ClinVar variation 2132523 (VCV002132523.1), dbSNP rs2509847194, ClinGen allele CA391614741.